The following is an entry in ClinVar:

NM_016156.6(MTMR2):c.637T>G (p.Leu213Val)

Gene: MTMR2 (myotubularin related protein 2; minus strand). Cytogenetic location: 11q21.
Variant type: single nucleotide variant.
Coding change: c.637T>G on transcript NM_016156.6 (MANE Select); coding-DNA position 637, T replaced by G.
Protein change: p.Leu213Val; replaces leucine 213 with valine.
Molecular consequence: missense variant.
Genome position (GRCh38, 1-based): chr11:95,857,569, A>C on the plus strand (T>G on the coding strand, the complement: MTMR2 is on the minus strand). VCF-style: chr11-95857569-A-C. GRCh37 (hg19) VCF-style: chr11-95590733-A-C.
Other names: c.421T>G, p.Leu141Val (NM_001243571.2, NM_201278.3, NM_201281.3); short protein forms L213V, L141V.
Identifiers: ClinVar variation 2152068 (VCV002152068.4), dbSNP rs1864257557, ClinGen allele CA382427683.

ClinVar aggregate classification (germline): Uncertain significance (1 of 4 stars; one submission).

Conditions:
Charcot-Marie-Tooth disease type 4. Also called: Charcot-Marie-Tooth disease, type IV; Charcot-Marie-Tooth, Type 4. Identifiers: Orphanet 64749, MedGen C4082197, MONDO:0018995.

Allele frequency attached by ClinVar (database versions not stated): gnomAD exomes below 0.00001; gnomAD 0.00001; TOPMed 0.00001.
gnomAD v4.1: 4 of 1,610,432 alleles (0.00025%); highest among the groups gnomAD compares: African/African-American, 0.0053%; no homozygotes.

Submission:

Labcorp Genetics (formerly Invitae), Labcorp
Classification: Uncertain significance for Charcot-Marie-Tooth disease type 4. Last evaluated: 2022-03-08. Review status: criteria provided, single submitter. Criteria: Invitae Variant Classification Sherloc (09022015). Collection method: clinical testing. Allele origin: germline.
Comment: This variant is not present in population databases (gnomAD no frequency). This variant has not been reported in the literature in individuals affected with MTMR2-related conditions. Advanced modeling of protein sequence and biophysical properties (such as structural, functional, and spatial information, amino acid conservation, physicochemical variation, residue mobility, and thermodynamic stability) performed at Invitae indicates that this missense variant is expected to disrupt MTMR2 protein function. In summary, the available evidence is currently insufficient to determine the role of this variant in disease. Therefore, it has been classified as a Variant of Uncertain Significance. This sequence change replaces leucine, which is neutral and non-polar, with valine, which is neutral and non-polar, at codon 213 of the MTMR2 protein (p.Leu213Val).